The following is an entry in ClinVar:

ClinVar aggregate classification (germline): Uncertain significance. Review status: criteria provided, multiple submitters, no conflicts (2 of 4 stars). 2 submissions from 2 submitters: Uncertain significance (2). Last evaluated 2024-11-30.

Conditions:
Autoimmune lymphoproliferative syndrome, type III caused by mutation in PRKCD. Identifiers: Orphanet 3261, Orphanet 664711, MedGen C3809928, MONDO:8000024, OMIM 615559.

Allele frequency attached by ClinVar (database versions not stated): gnomAD 0.00008 and 0.00009; ExAC 0.00007; 1000 Genomes Project 30x 0.00031; 1000 Genomes Project 0.00020; TOPMed 0.00008.
gnomAD v4.1: 76 of 1,613,602 alleles (0.0047%); highest among the groups gnomAD compares: Middle Eastern, 0.05%; no homozygotes.

Submissions (2):

Labcorp Genetics (formerly Invitae), Labcorp
Classification: Uncertain significance for Autoimmune lymphoproliferative syndrome, type III caused by mutation in PRKCD. Last evaluated: 2024-11-30. Review status: criteria provided, single submitter. Criteria: Invitae Variant Classification Sherloc (09022015). Collection method: clinical testing. Allele origin: germline.
Comment: This sequence change falls in intron 9 of the PRKCD gene. It does not directly change the encoded amino acid sequence of the PRKCD protein. It affects a nucleotide within the consensus splice site. This variant is present in population databases (rs575167797, gnomAD 0.06%). This variant has not been reported in the literature in individuals affected with PRKCD-related conditions. ClinVar contains an entry for this variant (Variation ID: 1510610). Variants that disrupt the consensus splice site are a relatively common cause of aberrant splicing (PMID: 17576681, 9536098). Algorithms developed to predict the effect of sequence changes on RNA splicing suggest that this variant is not likely to affect RNA splicing. In summary, the available evidence is currently insufficient to determine the role of this variant in disease. Therefore, it has been classified as a Variant of Uncertain Significance.

St. Jude Molecular Pathology, St. Jude Children's Research Hospital
Classification: Uncertain significance for Autoimmune lymphoproliferative syndrome, type III caused by mutation in PRKCD. Last evaluated: 2023-11-06. Review status: criteria provided, single submitter. Criteria: St. Jude Assertion Criteria 2020. Collection method: clinical testing. Allele origin: germline.
Comment: The PRKCD c.787+4C>T missense change has a maximum subpopulation frequency of 0.065% in gnomAD v2.1.1. Algorithms that predict the impact of sequence changes on splicing indicate that this variant does not affect splicing, but to our knowledge these predictions have not been confirmed by RNA studies. To our knowledge, this variant has not been reported in the literature in individuals with autoimmune lymphoproliferative syndrome. In summary, the evidence currently available is insufficient to determine the clinical significance of this variant. It has therefore been classified as of uncertain significance.

Literature cited by the submitters: PubMed 17576681 (cited by Labcorp Genetics (formerly Invitae), Labcorp); PubMed 9536098 (cited by Labcorp Genetics (formerly Invitae), Labcorp).

NM_006254.4(PRKCD):c.787+4C>T

Gene: PRKCD (protein kinase C delta; plus strand). Cytogenetic location: 3p21.1.
Variant type: single nucleotide variant.
Coding change: c.787+4C>T on transcript NM_006254.4 (MANE Select); 4 bases into the intron after coding-DNA position 787, C replaced by T.
Molecular consequence: intron variant.
Genome position (GRCh38, 1-based): chr3:53,183,585, C>T. VCF-style: chr3-53183585-C-T. GRCh37 (hg19) VCF-style: chr3-53217601-C-T.
Other names: c.787+4C>T (NM_001354680.2, NM_001354679.2, NM_212539.2 and 1 more transcripts); c.844+4C>T (NM_001354676.2); c.835+4C>T (NM_001354678.2).
Identifiers: ClinVar variation 1510610 (VCV001510610.5), dbSNP rs575167797, ClinGen allele CA2451955.